The following is an entry in ClinVar:

ClinVar aggregate classification (germline): Uncertain significance (1 of 4 stars; one submission).

Allele frequency attached by ClinVar (database versions not stated): gnomAD exomes 0.00001.
gnomAD v4.1: 3 of 1,614,192 alleles (0.00019%); highest among the groups gnomAD compares: Non-Finnish European, 0.00017%; no homozygotes.

Submission:

GeneDx
Classification: Uncertain significance. Last evaluated: 2023-02-24. Review status: criteria provided, single submitter. Criteria: GeneDx Variant Classification Process June 2021. Collection method: clinical testing. Allele origin: germline. Affected: yes.
Comment: Not observed at significant frequency in large population cohorts (gnomAD); In silico analysis supports that this missense variant does not alter protein structure/function; Has not been previously published as pathogenic or benign to our knowledge

NM_001326342.2(CELF2):c.506G>A (p.Arg169Gln)

Gene: CELF2 (CUGBP Elav-like family member 2; plus strand). Cytogenetic location: 10p14.
Variant type: single nucleotide variant.
Coding change: c.506G>A on transcript NM_001326342.2 (MANE Select); coding-DNA position 506, G replaced by A.
Protein change: p.Arg169Gln; replaces arginine 169 with glutamine.
Molecular consequence: missense variant. On other transcripts: 5 prime UTR variant (2).
Genome position (GRCh38, 1-based): chr10:11,257,840, G>A. VCF-style: chr10-11257840-G-A. GRCh37 (hg19) VCF-style: chr10-11299803-G-A.
Other names: c.413G>A, p.Arg138Gln (NM_001025076.2, NM_001083591.1, NM_001326317.2 and 15 more transcripts); c.485G>A, p.Arg162Gln (NM_001025077.3, NM_001326331.2, NM_001326332.2 and 4 more transcripts); c.578G>A, p.Arg193Gln (NM_001326325.2); c.521G>A, p.Arg174Gln (NM_001326326.2, NM_001326327.2); c.-120G>A (NM_001326333.2, NM_001326346.2); c.152G>A, p.Arg51Gln (NM_001326338.2, NM_001326339.2); c.506G>A, p.Arg169Gln (NM_001326340.2, NM_001326341.2, NM_001326343.2 and 4 more transcripts); c.437G>A, p.Arg146Gln (NM_001326347.1); short protein forms R138Q, R146Q, R162Q, R169Q, R174Q, R193Q, R51Q.
Identifiers: ClinVar variation 2577710 (VCV002577710.1), dbSNP rs1390133796, ClinGen allele CA375963578.